The following is an entry in ClinVar:

NM_024675.4(PALB2):c.3328C>G (p.Leu1110Val)

Gene: PALB2 (partner and localizer of BRCA2; minus strand). Cytogenetic location: 16p12.2.
Variant type: single nucleotide variant.
Coding change: c.3328C>G on transcript NM_024675.4 (MANE Select); coding-DNA position 3328, C replaced by G.
Protein change: p.Leu1110Val; replaces leucine 1110 with valine.
Molecular consequence: missense variant.
Genome position (GRCh38, 1-based): chr16:23,607,886, G>C on the plus strand (C>G on the coding strand, the complement: PALB2 is on the minus strand). VCF-style: chr16-23607886-G-C. GRCh37 (hg19) VCF-style: chr16-23619207-G-C.
Other names: short protein forms L1110V.
Identifiers: ClinVar variation 241561 (VCV000241561.13), dbSNP rs878855117, ClinGen allele CA10583350.

ClinVar aggregate classification (germline): Uncertain significance. Review status: criteria provided, multiple submitters, no conflicts (2 of 4 stars). 3 submissions from 3 submitters: Uncertain significance (3). Last evaluated 2025-10-26.

Conditions:
Hereditary cancer-predisposing syndrome. Also called: Tumor predisposition; Neoplastic Syndromes, Hereditary; Hereditary Cancer Syndrome; Hereditary neoplastic syndrome. Identifiers: Orphanet 140162, MedGen C0027672, MeSH D009386, MONDO:0015356.
Familial cancer of breast. Also called: Hereditary breast cancer; BREAST CANCER, FAMILIAL; hereditary breast carcinoma. Identifiers: Orphanet 227535, MedGen C0346153, MONDO:0016419, OMIM 114480. Disease mechanism: loss of function.

Submissions (3):

Labcorp Genetics (formerly Invitae), Labcorp
Classification: Uncertain significance for Familial cancer of breast. Last evaluated: 2025-10-26. Review status: criteria provided, single submitter. Criteria: Invitae Variant Classification Sherloc (09022015). Collection method: clinical testing. Allele origin: germline.
Comment: This sequence change replaces leucine, which is neutral and non-polar, with valine, which is neutral and non-polar, at codon 1110 of the PALB2 protein (p.Leu1110Val). This variant is not present in population databases (gnomAD no frequency). This variant has not been reported in the literature in individuals affected with PALB2-related conditions. ClinVar contains an entry for this variant (Variation ID: 241561). An algorithm developed to predict the effect of missense changes on protein structure and function (PolyPhen-2) suggests that this variant is likely to be disruptive. In summary, the available evidence is currently insufficient to determine the role of this variant in disease. Therefore, it has been classified as a Variant of Uncertain Significance.

Ambry Genetics
Classification: Uncertain significance for Hereditary cancer-predisposing syndrome. Last evaluated: 2025-10-16. Review status: criteria provided, single submitter. Criteria: Ambry Variant Classification Scheme 2023. Collection method: clinical testing. Allele origin: germline.
Comment: The p.L1110V variant (also known as c.3328C>G), located in coding exon 12 of the PALB2 gene, results from a C to G substitution at nucleotide position 3328. The leucine at codon 1110 is replaced by valine, an amino acid with highly similar properties. This amino acid position is highly conserved in available vertebrate species. In addition, this alteration is predicted to be tolerated by in silico analysis. Since supporting evidence is limited at this time, the clinical significance of this alteration remains unclear.

Women's Health and Genetics/Laboratory Corporation of America, LabCorp
Classification: Uncertain significance. Last evaluated: 2023-07-05. Review status: criteria provided, single submitter. Criteria: LabCorp Variant Classification Summary - May 2015. Collection method: clinical testing. Allele origin: germline.